The following is an entry in ClinVar:

NM_001042492.3(NF1):c.7621A>T (p.Arg2541Trp)

Gene: NF1 (neurofibromin 1; plus strand). Cytogenetic location: 17q11.2.
Variant type: single nucleotide variant.
Coding change: c.7621A>T on transcript NM_001042492.3 (MANE Select); coding-DNA position 7621, A replaced by T.
Protein change: p.Arg2541Trp; replaces arginine 2541 with tryptophan.
Molecular consequence: missense variant.
Genome position (GRCh38, 1-based): chr17:31,356,465, A>T. VCF-style: chr17-31356465-A-T. GRCh37 (hg19) VCF-style: chr17-29683483-A-T.
Other names: c.7558A>T, p.Arg2520Trp (NM_000267.4); short protein forms R2541W, R2520W.
Identifiers: ClinVar variation 4016252 (VCV004016252.1).

ClinVar aggregate classification (germline): Uncertain significance (1 of 4 stars; one submission).

Conditions:
Cardiovascular phenotype. Identifiers: MedGen CN230736.
Hereditary cancer-predisposing syndrome. Also called: Tumor predisposition; Hereditary neoplastic syndrome; Neoplastic Syndromes, Hereditary; Hereditary Cancer Syndrome. Identifiers: Orphanet 140162, MedGen C0027672, MeSH D009386, MONDO:0015356.

Submission:

Ambry Genetics
Classification: Uncertain significance for Cardiovascular phenotype; Hereditary cancer-predisposing syndrome. Last evaluated: 2025-03-25. Review status: criteria provided, single submitter. Criteria: Ambry Variant Classification Scheme 2023. Collection method: clinical testing. Allele origin: germline.
Comment: The p.R2520W variant (also known as c.7558A>T), located in coding exon 51 of the NF1 gene, results from an A to T substitution at nucleotide position 7558. The arginine at codon 2520 is replaced by tryptophan, an amino acid with dissimilar properties. This amino acid position is conserved. In addition, the in silico prediction for this alteration is inconclusive. Based on the available evidence, the clinical significance of this variant remains unclear.